The following is an entry in ClinVar:

ClinVar aggregate classification (germline): Likely pathogenic (1 of 4 stars; one submission).

Conditions:
Neuronal ceroid lipofuscinosis 3 (CLN3). Identifiers: Orphanet 228346, MedGen C0751383, MONDO:0008767, OMIM 204200.

gnomAD v4.1: 1 of 1,614,152 alleles (0.000062%); no homozygotes.

Submission:

Human Genome Lab, NIMHANS, National Institute of Mental Health and Neuro Sciences
Classification: Likely pathogenic for Neuronal ceroid lipofuscinosis 3. Review status: criteria provided, single submitter. Criteria: ACMG Guidelines, 2015. Collection method: clinical testing. Allele origin: germline. Inheritance: Autosomal recessive inheritance. Affected: yes. Observed: 1 homozygote.
Comment: The splice region variant NM_001042432.2:c.838-3C>G has not been reported previously as a pathogenic variant nor as a benign variant, to our knowledge. The c.838-3C>G variant is novel (not in any individuals) in 1000 Genomes. The c.838-3C>G variant is observed in 1/246,254 (0.0004%) alleles from individuals of gnomAD All background in gnomAD and in 2 individuals with similar phenotype in our inhouse database in homozygous state. The nucleotide c.838-3C>G in CLN3 is predicted conserved by GERP++ and PhyloP across 100 vertebrates. In addition, the patient's clinical phenotype matches with that of the disorder caused by pathogenic variants in CLN3 gene. For these reasons, this variant has been classified as Likely Pathogenic (PM2 PP3 PP4_Moderate PS4).

NM_001042432.2(CLN3):c.838-3C>G

Gene: CLN3 (CLN3 lysosomal/endosomal transmembrane protein, battenin; minus strand). Cytogenetic location: 16p12.1.
Variant type: single nucleotide variant.
Coding change: c.838-3C>G on transcript NM_001042432.2 (MANE Select); 3 bases into the intron before coding-DNA position 838, C replaced by G.
Molecular consequence: intron variant.
Genome position (GRCh38, 1-based): chr16:28,482,548, G>C on the plus strand (C>G on the coding strand, the complement: CLN3 is on the minus strand). VCF-style: chr16-28482548-G-C. GRCh37 (hg19) VCF-style: chr16-28493869-G-C.
Other names: c.604-3C>G (NM_001286109.2); c.766-3C>G (NM_001286104.2); c.538-3C>G (NM_001286105.2); c.676-3C>G (NM_001286110.2); c.838-3C>G (NM_000086.2).
Identifiers: ClinVar variation 2627624 (VCV002627624.2), dbSNP rs1437110742, ClinGen allele CA622160668.